The following is an entry in ClinVar:

ClinVar aggregate classification (germline): Uncertain significance (1 of 4 stars; one submission).

Allele frequency attached by ClinVar (database versions not stated): gnomAD exomes below 0.00001.
gnomAD v4.1: 1 of 1,610,744 alleles (0.000062%); highest among the groups gnomAD compares: Non-Finnish European, 0.000085%; no homozygotes.

Submission:

Labcorp Genetics (formerly Invitae), Labcorp
Classification: Uncertain significance. Last evaluated: 2022-02-04. Review status: criteria provided, single submitter. Criteria: Invitae Variant Classification Sherloc (09022015). Collection method: clinical testing. Allele origin: germline.
Comment: ClinVar contains an entry for this variant (Variation ID: 1006623). This variant has not been reported in the literature in individuals affected with HSPG2-related conditions. The frequency data for this variant in the population databases is considered unreliable, as metrics indicate poor data quality at this position in the gnomAD database. This sequence change replaces glycine, which is neutral and non-polar, with aspartic acid, which is acidic and polar, at codon 3915 of the HSPG2 protein (p.Gly3915Asp). Algorithms developed to predict the effect of missense changes on protein structure and function are either unavailable or do not agree on the potential impact of this missense change (SIFT: "Tolerated"; PolyPhen-2: "Probably Damaging"; Align-GVGD: "Class C0"). In summary, the available evidence is currently insufficient to determine the role of this variant in disease. Therefore, it has been classified as a Variant of Uncertain Significance.

NM_005529.7(HSPG2):c.11744G>A (p.Gly3915Asp)

Gene: HSPG2 (heparan sulfate proteoglycan 2; minus strand). Cytogenetic location: 1p36.12.
Variant type: single nucleotide variant.
Coding change: c.11744G>A on transcript NM_005529.7 (MANE Select); coding-DNA position 11744, G replaced by A.
Protein change: p.Gly3915Asp; replaces glycine 3915 with aspartic acid.
Molecular consequence: missense variant.
Genome position (GRCh38, 1-based): chr1:21,830,019, C>T on the plus strand (G>A on the coding strand, the complement: HSPG2 is on the minus strand). VCF-style: chr1-21830019-C-T. GRCh37 (hg19) VCF-style: chr1-22156512-C-T.
Other names: c.11747G>A, p.Gly3916Asp (NM_001291860.2); short protein forms G3915D, G3916D.
Identifiers: ClinVar variation 1006623 (VCV001006623.10), dbSNP rs1374568176, ClinGen allele CA338902802.
Genomic context (GRCh38, chr1:21,830,019, plus strand): 5'-GGACCCTGGGGGTCTCAGGCCTGGCTCCCCTCACCTTCCTCACACCGCAACCCCGAGCGG[C>T]CCAGGTGGCAGCGGCAGGTGTAGCCTCGACCGTCAGGCCGGTTCACACAGGTGGCGTCGG-3'
Protein context (NP_005520.4, residues 3905-3925): GRGYTCRCHL[Gly3915Asp]RSGLRCEEGV